The following is an entry in ClinVar:

ClinVar aggregate classification (germline): Uncertain significance (1 of 4 stars; one submission).

Submission:

GeneDx
Classification: Uncertain significance. Last evaluated: 2025-03-04. Review status: criteria provided, single submitter. Criteria: GeneDx Variant Classification Process June 2021. Collection method: clinical testing. Allele origin: germline. Affected: yes.
Comment: Not observed at significant frequency in large population cohorts (gnomAD); In silico analysis indicates that this missense variant does not alter protein structure/function; Has not been previously published as pathogenic or benign to our knowledge

NM_004380.3(CREBBP):c.7240A>G (p.Thr2414Ala)

Gene: CREBBP (CREB binding lysine acetyltransferase; minus strand). Cytogenetic location: 16p13.3.
Variant type: single nucleotide variant.
Coding change: c.7240A>G on transcript NM_004380.3 (MANE Select); coding-DNA position 7240, A replaced by G.
Protein change: p.Thr2414Ala; replaces threonine 2414 with alanine.
Molecular consequence: missense variant.
Genome position (GRCh38, 1-based): chr16:3,727,807, T>C on the plus strand (A>G on the coding strand, the complement: CREBBP is on the minus strand). VCF-style: chr16-3727807-T-C. GRCh37 (hg19) VCF-style: chr16-3777808-T-C.
Other names: c.7126A>G, p.Thr2376Ala (NM_001079846.1); short protein forms T2376A, T2414A.
Identifiers: ClinVar variation 4082724 (VCV004082724.1).